The following is an entry in ClinVar:

NM_006015.6(ARID1A):c.412T>C (p.Ser138Pro)

Gene: ARID1A (AT-rich interaction domain 1A; plus strand). Cytogenetic location: 1p36.11.
Variant type: single nucleotide variant.
Coding change: c.412T>C on transcript NM_006015.6 (MANE Select); coding-DNA position 412, T replaced by C.
Protein change: p.Ser138Pro; replaces serine 138 with proline.
Molecular consequence: missense variant.
Genome position (GRCh38, 1-based): chr1:26,696,815, T>C. VCF-style: chr1-26696815-T-C. GRCh37 (hg19) VCF-style: chr1-27023306-T-C.
Other names: c.412T>C, p.Ser138Pro (NM_139135.4); short protein forms S138P.
Identifiers: ClinVar variation 2505827 (VCV002505827.1), dbSNP rs2124741761, ClinGen allele CA339265125.

ClinVar aggregate classification (germline): Uncertain significance (1 of 4 stars; one submission).

Submission:

GeneDx
Classification: Uncertain significance. Last evaluated: 2022-12-14. Review status: criteria provided, single submitter. Criteria: GeneDx Variant Classification Process June 2021. Collection method: clinical testing. Allele origin: germline. Affected: yes.
Comment: Not observed at significant frequency in large population cohorts (gnomAD); In silico analysis supports that this missense variant does not alter protein structure/function; Has not been previously published as pathogenic or benign to our knowledge